The following is an entry in ClinVar:

ClinVar aggregate classification (germline): Uncertain significance (1 of 4 stars; one submission).

Allele frequency attached by ClinVar (database versions not stated): gnomAD exomes below 0.00001.
gnomAD v4.1: 3 of 1,613,854 alleles (0.00019%); highest among the groups gnomAD compares: Non-Finnish European, 0.00025%; no homozygotes.

Submission:

Labcorp Genetics (formerly Invitae), Labcorp
Classification: Uncertain significance. Last evaluated: 2022-08-05. Review status: criteria provided, single submitter. Criteria: Invitae Variant Classification Sherloc (09022015). Collection method: clinical testing. Allele origin: germline.
Comment: Algorithms developed to predict the effect of missense changes on protein structure and function (SIFT, PolyPhen-2, Align-GVGD) all suggest that this variant is likely to be tolerated. In summary, the available evidence is currently insufficient to determine the role of this variant in disease. Therefore, it has been classified as a Variant of Uncertain Significance. This variant has not been reported in the literature in individuals affected with ALPK3-related conditions. This variant is not present in population databases (gnomAD no frequency). This sequence change replaces glutamic acid, which is acidic and polar, with aspartic acid, which is acidic and polar, at codon 512 of the ALPK3 protein (p.Glu512Asp).

NM_020778.5(ALPK3):c.930G>C (p.Glu310Asp)

Gene: ALPK3 (alpha kinase 3; plus strand). Cytogenetic location: 15q25.3.
Variant type: single nucleotide variant.
Coding change: c.930G>C on transcript NM_020778.5 (MANE Select); coding-DNA position 930, G replaced by C.
Protein change: p.Glu310Asp; replaces glutamic acid 310 with aspartic acid.
Molecular consequence: missense variant.
Genome position (GRCh38, 1-based): chr15:84,840,209, G>C. VCF-style: chr15-84840209-G-C. GRCh37 (hg19) VCF-style: chr15-85383440-G-C.
Other names: short protein forms E310D.
Identifiers: ClinVar variation 2125963 (VCV002125963.4), dbSNP rs2505705714, ClinGen allele CA393373803.